The following is an entry in ClinVar:

ClinVar aggregate classification (germline): Likely benign (1 of 4 stars; one submission).

Allele frequency attached by ClinVar (database versions not stated): ExAC 0.00003; gnomAD 0.00003; gnomAD exomes 0.00003; TOPMed 0.00003.
gnomAD v4.1: 49 of 1,613,960 alleles (0.003%); highest among the groups gnomAD compares: Middle Eastern, 0.25%; no homozygotes.

Submission:

CeGaT Center for Human Genetics Tuebingen
Classification: Likely benign. Last evaluated: 2022-12-01. Review status: criteria provided, single submitter. Criteria: CeGaT Center For Human Genetics Tuebingen Variant Classification Criteria Version 2. Collection method: clinical testing. Allele origin: germline. Affected: yes. Observed: 1 variant allele.
Comment: DDX18: BP4, BP7

NM_006773.4(DDX18):c.834C>T (p.His278=)

Gene: DDX18 (DEAD-box helicase 18; plus strand). Cytogenetic location: 2q14.1.
Variant type: single nucleotide variant.
Coding change: c.834C>T on transcript NM_006773.4 (MANE Select); coding-DNA position 834, C replaced by T.
Protein change: p.His278=; no amino-acid change (histidine 278 retained).
Molecular consequence: synonymous variant.
Genome position (GRCh38, 1-based): chr2:117,821,944, C>T. VCF-style: chr2-117821944-C-T. GRCh37 (hg19) VCF-style: chr2-118579520-C-T.
Identifiers: ClinVar variation 2651292 (VCV002651292.24), dbSNP rs759386381, ClinGen allele CA1843882.
Genomic context (GRCh38, chr2:117,821,944, plus strand): 5'-ACCTACTAGAGAACTAGCCATGCAAACCTTTGGTGTTCTTAAGGAGCTGATGACTCACCA[C>T]GTGCATACCTATGGCTTGATAATGGGTGGCAGTAACAGATCTGCTGAAGCACAGAAACTT-3'
Protein context (NP_006764.3, residues 268-288): FGVLKELMTH[His278=]VHTYGLIMGG